The following is an entry in ClinVar:

NM_032776.3(JMJD1C):c.568A>G (p.Asn190Asp)

Gene: JMJD1C (jumonji domain containing 1C; minus strand). Cytogenetic location: 10q21.3.
Variant type: single nucleotide variant.
Coding change: c.568A>G on transcript NM_032776.3 (MANE Select); coding-DNA position 568, A replaced by G.
Protein change: p.Asn190Asp; replaces asparagine 190 with aspartic acid.
Molecular consequence: missense variant. On other transcripts: 5 prime UTR variant (3), non-coding transcript variant (1).
Genome position (GRCh38, 1-based): chr10:63,217,317, T>C on the plus strand (A>G on the coding strand, the complement: JMJD1C is on the minus strand). VCF-style: chr10-63217317-T-C. GRCh37 (hg19) VCF-style: chr10-64977077-T-C.
Other names: c.22A>G, p.Asn8Asp (NM_001282948.2, NM_001318154.2); c.-301A>G (NM_001318153.2); c.454A>G, p.Asn152Asp (NM_001322252.2); c.-90A>G (NM_001322254.2, NM_001322258.2); short protein forms N152D, N8D, N190D.
Identifiers: ClinVar variation 3720933 (VCV003720933.2).

ClinVar aggregate classification (germline): Uncertain significance (1 of 4 stars; one submission).

Conditions:
Early Myoclonic Encephalopathy. Identifiers: MedGen C0270855.

gnomAD v4.1: 3 of 1,592,326 alleles (0.00019%); highest among the groups gnomAD compares: Non-Finnish European, 0.00026%; no homozygotes.

Submission:

Labcorp Genetics (formerly Invitae), Labcorp
Classification: Uncertain significance for Early Myoclonic Encephalopathy. Last evaluated: 2024-03-15. Review status: criteria provided, single submitter. Criteria: Invitae Variant Classification Sherloc (09022015). Collection method: clinical testing. Allele origin: germline.
Comment: This sequence change replaces asparagine, which is neutral and polar, with aspartic acid, which is acidic and polar, at codon 190 of the JMJD1C protein (p.Asn190Asp). This variant is not present in population databases (gnomAD no frequency). This variant has not been reported in the literature in individuals affected with JMJD1C-related conditions. An algorithm developed to predict the effect of missense changes on protein structure and function (PolyPhen-2) suggests that this variant is likely to be tolerated. In summary, the available evidence is currently insufficient to determine the role of this variant in disease. Therefore, it has been classified as a Variant of Uncertain Significance.